The following is an entry in ClinVar:

ClinVar aggregate classification (germline): Likely benign (1 of 4 stars; one submission).

Allele frequency attached by ClinVar (database versions not stated): TOPMed below 0.00001; ExAC 0.00001.

Submission:

CeGaT Center for Human Genetics Tuebingen
Classification: Likely benign. Last evaluated: 2024-02-01. Review status: criteria provided, single submitter. Criteria: CeGaT Center For Human Genetics Tuebingen Variant Classification Criteria Version 2. Collection method: clinical testing. Allele origin: germline. Affected: yes. Observed: 1 variant allele.
Comment: ACTL6A: BP4, BP7

NM_004301.5(ACTL6A):c.456C>T (p.Cys152=)

Gene: ACTL6A (actin like 6A; plus strand). Cytogenetic location: 3q26.33.
Variant type: single nucleotide variant.
Coding change: c.456C>T on transcript NM_004301.5 (MANE Select); coding-DNA position 456, C replaced by T.
Protein change: p.Cys152=; no amino-acid change (cysteine 152 retained).
Molecular consequence: synonymous variant.
Genome position (GRCh38, 1-based): chr3:179,574,447, C>T. VCF-style: chr3-179574447-C-T. GRCh37 (hg19) VCF-style: chr3-179292235-C-T.
Other names: c.330C>T, p.Cys110= (NM_177989.4, NM_178042.4).
Identifiers: ClinVar variation 3027056 (VCV003027056.22), dbSNP rs111350774, ClinGen allele CA2712800.